The following is an entry in ClinVar:

NM_003265.3(TLR3):c.1138A>C (p.Asn380His)

Gene: TLR3 (toll like receptor 3; plus strand). Cytogenetic location: 4q35.1.
Variant type: single nucleotide variant.
Coding change: c.1138A>C on transcript NM_003265.3 (MANE Select); coding-DNA position 1138, A replaced by C.
Protein change: p.Asn380His; replaces asparagine 380 with histidine.
Molecular consequence: missense variant.
Genome position (GRCh38, 1-based): chr4:186,082,824, A>C. VCF-style: chr4-186082824-A-C. GRCh37 (hg19) VCF-style: chr4-187003978-A-C.
Other names: short protein forms N380H.
Identifiers: ClinVar variation 4692530 (VCV004692530.1).

ClinVar aggregate classification (germline): Uncertain significance (1 of 4 stars; one submission).

Conditions:
Encephalopathy, acute, infection-induced (herpes-specific), susceptibility to, 1. Also called: Herpes simplex encephalitis, susceptibility to, 1. Identifiers: Orphanet 1930, MedGen C2750180, MONDO:0024563, OMIM 610551.

Submission:

Labcorp Genetics (formerly Invitae), Labcorp
Classification: Uncertain significance for Encephalopathy, acute, infection-induced (herpes-specific), susceptibility to, 1. Last evaluated: 2025-07-02. Review status: criteria provided, single submitter. Criteria: Invitae Variant Classification Sherloc (09022015). Collection method: clinical testing. Allele origin: germline.
Comment: This sequence change replaces asparagine, which is neutral and polar, with histidine, which is basic and polar, at codon 380 of the TLR3 protein (p.Asn380His). This variant is not present in population databases (gnomAD no frequency). This variant has not been reported in the literature in individuals affected with TLR3-related conditions. An algorithm developed to predict the effect of missense changes on protein structure and function (PolyPhen-2) suggests that this variant is likely to be tolerated. In summary, the available evidence is currently insufficient to determine the role of this variant in disease. Therefore, it has been classified as a Variant of Uncertain Significance.